The following is an entry in ClinVar:

ClinVar aggregate classification (germline): Uncertain significance. Review status: criteria provided, multiple submitters, no conflicts (2 of 4 stars). 3 submissions from 3 submitters: Uncertain significance (3). Last evaluated 2025-12-11.

Conditions:
Age related macular degeneration 1 (ARMD1). Also called: MACULOPATHY, AGE-RELATED, 1. Identifiers: MedGen C1864205, MONDO:0011285, OMIM 603075.

Allele frequency attached by ClinVar (database versions not stated): ExAC 0.00009; 1000 Genomes Project 0.00040; 1000 Genomes Project 30x 0.00047; ESP Exome Variant Server 0.00062.
gnomAD v4.1: 91 of 1,614,034 alleles (0.0056%); highest among the groups gnomAD compares: African/African-American, 0.12%; no homozygotes.

Submissions (3):

Labcorp Genetics (formerly Invitae), Labcorp
Classification: Uncertain significance. Last evaluated: 2025-12-11. Review status: criteria provided, single submitter. Criteria: Invitae Variant Classification Sherloc (09022015). Collection method: clinical testing. Allele origin: germline.
Comment: This sequence change replaces proline, which is neutral and non-polar, with leucine, which is neutral and non-polar, at codon 4674 of the HMCN1 protein (p.Pro4674Leu). This variant is present in population databases (rs149773199, gnomAD 0.07%), and has an allele count higher than expected for a pathogenic variant. This variant has not been reported in the literature in individuals affected with HMCN1-related conditions. ClinVar contains an entry for this variant (Variation ID: 2070032). An algorithm developed to predict the effect of missense changes on protein structure and function (PolyPhen-2) suggests that this variant is likely to be tolerated. In summary, the available evidence is currently insufficient to determine the role of this variant in disease. Therefore, it has been classified as a Variant of Uncertain Significance.

Ambry Genetics
Classification: Uncertain significance. Last evaluated: 2024-10-16. Review status: criteria provided, single submitter. Criteria: Ambry Variant Classification Scheme 2023. Collection method: clinical testing. Allele origin: germline.

Genome-Nilou Lab
Classification: Uncertain significance for Age related macular degeneration 1. Last evaluated: 2023-04-11. Review status: criteria provided, single submitter. Criteria: ACMG Guidelines, 2015. Collection method: clinical testing. Allele origin: germline. Affected: no.

NM_031935.3(HMCN1):c.14021C>T (p.Pro4674Leu)

Gene: HMCN1 (hemicentin 1; plus strand). Cytogenetic location: 1q31.1.
Variant type: single nucleotide variant.
Coding change: c.14021C>T on transcript NM_031935.3 (MANE Select); coding-DNA position 14021, C replaced by T.
Protein change: p.Pro4674Leu; replaces proline 4674 with leucine.
Molecular consequence: missense variant.
Genome position (GRCh38, 1-based): chr1:186,144,269, C>T. VCF-style: chr1-186144269-C-T. GRCh37 (hg19) VCF-style: chr1-186113401-C-T.
Other names: short protein forms P4674L.
Identifiers: ClinVar variation 2070032 (VCV002070032.7), dbSNP rs149773199, ClinGen allele CA1294834.